The following is an entry in ClinVar:

ClinVar aggregate classification (germline): Uncertain significance (1 of 4 stars; one submission).

Conditions:
T-B+ severe combined immunodeficiency due to JAK3 deficiency. Also called: SCID, autosomal recessive, T-negative/B-positive type; SCID, T CELL-NEGATIVE, B CELL-POSITIVE, NK CELL-NEGATIVE. Identifiers: Orphanet 35078, MedGen C1833275, MONDO:0010938, OMIM 600802.

Allele frequency attached by ClinVar (database versions not stated): TOPMed 0.00001; ExAC 0.00002.

Submission:

Labcorp Genetics (formerly Invitae), Labcorp
Classification: Uncertain significance for T-B+ severe combined immunodeficiency due to JAK3 deficiency. Last evaluated: 2022-07-06. Review status: criteria provided, single submitter. Criteria: Invitae Variant Classification Sherloc (09022015). Collection method: clinical testing. Allele origin: germline.
Comment: This sequence change replaces alanine, which is neutral and non-polar, with serine, which is neutral and polar, at codon 280 of the JAK3 protein (p.Ala280Ser). The frequency data for this variant in the population databases is considered unreliable, as metrics indicate poor data quality at this position in the gnomAD database. This variant has not been reported in the literature in individuals affected with JAK3-related conditions. Algorithms developed to predict the effect of missense changes on protein structure and function output the following: SIFT: "Tolerated"; PolyPhen-2: "Benign"; Align-GVGD: "Class C0". The serine amino acid residue is found in multiple mammalian species, which suggests that this missense change does not adversely affect protein function. In summary, the available evidence is currently insufficient to determine the role of this variant in disease. Therefore, it has been classified as a Variant of Uncertain Significance.

NM_000215.4(JAK3):c.838G>T (p.Ala280Ser)

Gene: JAK3 (Janus kinase 3; minus strand). Cytogenetic location: 19p13.11.
Variant type: single nucleotide variant.
Coding change: c.838G>T on transcript NM_000215.4 (MANE Select); coding-DNA position 838, G replaced by T.
Protein change: p.Ala280Ser; replaces alanine 280 with serine.
Molecular consequence: missense variant.
Genome position (GRCh38, 1-based): chr19:17,842,339, C>A on the plus strand (G>T on the coding strand, the complement: JAK3 is on the minus strand). VCF-style: chr19-17842339-C-A. GRCh37 (hg19) VCF-style: chr19-17953148-C-A.
Other names: short protein forms A280S.
Identifiers: ClinVar variation 1949727 (VCV001949727.2), dbSNP rs767070972, ClinGen allele CA9302082.